The following is an entry in ClinVar:

NC_012920.1(MT-TE):m.14739G>A

Gene: MT-TE (mitochondrially encoded tRNA glutamic acid; minus strand).
Variant type: single nucleotide variant.
Genome position: chrM-14739-G-A.
Identifiers: ClinVar variation 690211 (VCV000690211.2), dbSNP rs1603224850, ClinGen allele CA913171966.

ClinVar aggregate classification (germline): Uncertain significance. Review status: reviewed by expert panel (3 of 4 stars). 2 submissions from 2 submitters: Uncertain significance (1). 1 of the submissions does not count toward it. Last evaluated 2024-03-26.

Conditions:
Mitochondrial disease. Also called: Mitochondrial disorder; Mitochondrial disorders. Identifiers: Orphanet 68380, MedGen C0751651, MeSH D028361, MONDO:0044970.
MELAS syndrome (MELAS). Also called: Juvenile myopathy, encephalopathy, lactic acidosis, stroke. Identifiers: Orphanet 550, MedGen C0162671, MONDO:0010789, OMIM 540000.

Submissions (2):

ClinGen Mitochondrial Disease Nuclear and Mitochondrial  Variant Curation Expert Panel, ClinGen
Classification: Uncertain significance for Mitochondrial disease. Last evaluated: 2024-03-26. Review status: reviewed by expert panel. Criteria: clingen mito disease acmg specifications v1-1. Collection method: curation. Allele origin: germline. Inheritance: Mitochondrial inheritance.
Comment: The m.14739G>A variant in MT-TE has been reported in one individual with primary mitochondrial disease (PMID: 17056256). This child had exercise intolerance, muscle weakness, muscle atrophy, developmental delay, and poor appetite with transient weight loss. Muscle biopsy showed ragged red and COX-negative fibers, and irregular mitochondria with tubular structures and focal subsarcolemmal glycogen accumulations. Biochemical investigations in muscle showed elevated activities of citrate synthase, complex II, and the oligomycin-sensitive ATPase in relation to the protein content, and complexes I, III and IV were moderately reduced in relation to citrate synthase activity. The variant was present at 72% heteroplasmy in muscle, 38% in urine sediment, 31% in blood, and 29% in fibroblasts. The variant was not detectable in the mother’s urine and blood, and was undetectable in four maternal aunts and the maternal grandmother (PMID: 17056256). This variant is absent in the Helix dataset, and gnomAD v3.1.2, and there is one occurrence in the MITOMAP GenBank dataset (PM2_supporting). MitoTIP predicts the variant is possible pathogenic (62.1 percentile) and HmtVAR predicts the variant is pathogenic (0.4, PP3). Single fiber testing showed higher levels of the variant in COX-negative fibers (86%, range 73–96%; n = 12) than in COX-positive fibers (44%, range 11–79%; n = 12) p<0.0001 (PS3_supporting, PMID: 17056256). In summary, this variant meets criteria to be classified as uncertain significance for primary mitochondrial disease inherited in a mitochondrial manner. This classification was approved by the NICHD/NINDS U24 ClinGen Mitochondrial Disease Variant Curation Expert Panel on March 26, 2024. Mitochondrial DNA-specific ACMG/AMP criteria applied (PMID: 32906214): PM2_supporting, PM6, PP3, PS3_supporting.

Wong Mito Lab, Molecular and Human Genetics, Baylor College of Medicine
Classification: Pathogenic for MELAS syndrome. Last evaluated: 2019-07-12. Review status: criteria provided, single submitter. Criteria: Modified ACMG Guidelines (Unpublished). Collection method: clinical testing. Allele origin: germline. Not counted in ClinVar's aggregate classification.
Comment: The NC_012920.1:m.14739G>A variant in MT-TE gene is interpreted to be a Pathogenic variant based on the modified ACMG guidelines (unpublished). This variant meets the following evidence codes reported in the guidelines: PS3, PM8, PM9, PP3, PP6

Literature cited by the submitters: PubMed 17056256 (cited by ClinGen Mitochondrial Disease Nuclear and Mitochondrial  Variant Curation Expert Panel, ClinGen and Wong Mito Lab, Molecular and Human Genetics, Baylor College of Medicine); PubMed 31965079 (cited by Wong Mito Lab, Molecular and Human Genetics, Baylor College of Medicine).